The following is an entry in ClinVar:

ClinVar aggregate classification (germline): Uncertain significance. Review status: criteria provided, multiple submitters, no conflicts (2 of 4 stars). 2 submissions from 2 submitters: Uncertain significance (2). Last evaluated 2024-05-31.

Conditions:
Hereditary cancer-predisposing syndrome. Also called: Hereditary Cancer Syndrome; Hereditary neoplastic syndrome; Neoplastic Syndromes, Hereditary; Tumor predisposition. Identifiers: Orphanet 140162, MedGen C0027672, MeSH D009386, MONDO:0015356.
Familial adenomatous polyposis 1 (FAP1). Also called: FAMILIAL ADENOMATOUS POLYPOSIS 1, ATTENUATED; POLYPOSIS, ADENOMATOUS INTESTINAL. Identifiers: MedGen C2713442, MONDO:0021056, OMIM 175100. Disease mechanism: loss of function.

Submissions (2):

Ambry Genetics
Classification: Uncertain significance for Hereditary cancer-predisposing syndrome. Last evaluated: 2024-05-31. Review status: criteria provided, single submitter. Criteria: Ambry Variant Classification Scheme 2023. Collection method: clinical testing. Allele origin: germline.
Comment: The p.A465T variant (also known as c.1393G>A), located in coding exon 10 of the APC gene, results from a G to A substitution at nucleotide position 1393. The alanine at codon 465 is replaced by threonine, an amino acid with similar properties. This amino acid position is highly conserved in available vertebrate species. In addition, in silico predictors for this gene do not accurately predict pathogenicity. Since supporting evidence is limited at this time, the clinical significance of this alteration remains unclear.

Labcorp Genetics (formerly Invitae), Labcorp
Classification: Uncertain significance for Familial adenomatous polyposis 1. Last evaluated: 2022-01-26. Review status: criteria provided, single submitter. Criteria: Invitae Variant Classification Sherloc (09022015). Collection method: clinical testing. Allele origin: germline.
Comment: This sequence change replaces alanine, which is neutral and non-polar, with threonine, which is neutral and polar, at codon 465 of the APC protein (p.Ala465Thr). This variant is not present in population databases (gnomAD no frequency). This variant has not been reported in the literature in individuals affected with APC-related conditions. Algorithms developed to predict the effect of missense changes on protein structure and function are either unavailable or do not agree on the potential impact of this missense change (SIFT: "Deleterious"; PolyPhen-2: "Possibly Damaging"; Align-GVGD: "Class C0"). In summary, the available evidence is currently insufficient to determine the role of this variant in disease. Therefore, it has been classified as a Variant of Uncertain Significance.

NM_000038.6(APC):c.1393G>A (p.Ala465Thr)

Gene: APC (APC regulator of Wnt signaling pathway; plus strand). Cytogenetic location: 5q22.2.
Variant type: single nucleotide variant.
Coding change: c.1393G>A on transcript NM_000038.6 (MANE Select); coding-DNA position 1393, G replaced by A.
Protein change: p.Ala465Thr; replaces alanine 465 with threonine.
Molecular consequence: missense variant.
Genome position (GRCh38, 1-based): chr5:112,821,976, G>A. VCF-style: chr5-112821976-G-A. GRCh37 (hg19) VCF-style: chr5-112157673-G-A.
Other names: c.1393G>A, p.Ala465Thr (NM_001127510.3, NM_001354895.2, NM_001354896.2 and 4 more transcripts); c.1339G>A, p.Ala447Thr (NM_001127511.3); c.1423G>A, p.Ala475Thr (NM_001354897.2, NM_001407446.1); c.1318G>A, p.Ala440Thr (NM_001354898.2, NM_001407451.1); c.1309G>A, p.Ala437Thr (NM_001354899.2, NM_001407452.1); c.1216G>A, p.Ala406Thr (NM_001354900.2, NM_001354901.2, NM_001407453.1); c.1120G>A, p.Ala374Thr (NM_001354902.2); c.1090G>A, p.Ala364Thr (NM_001354903.2, NM_001407454.1, NM_001407455.1 and 5 more transcripts); and 5 more; short protein forms A336T, A406T, A437T, A440T, A447T, A465T, A364T, A81T.
Identifiers: ClinVar variation 1771583 (VCV001771583.5), dbSNP rs863224536, ClinGen allele CA16024359.